The following is an entry in ClinVar:

ClinVar aggregate classification (germline): Conflicting classifications of pathogenicity. Review status: criteria provided, conflicting classifications (1 of 4 stars). 9 submissions from 9 submitters: Uncertain significance (6); Likely benign (1). 2 of the submissions do not count toward it. Last evaluated 2026-02-03.

Conditions:
Hereditary cancer-predisposing syndrome. Also called: Hereditary Cancer Syndrome; Neoplastic Syndromes, Hereditary; Hereditary neoplastic syndrome; Tumor predisposition. Identifiers: Orphanet 140162, MedGen C0027672, MeSH D009386, MONDO:0015356.
Breast and/or ovarian cancer. Identifiers: MedGen CN221562.
Hereditary breast ovarian cancer syndrome. Also called: Breast and ovarian cancer; Hereditary breast and ovarian cancer syndrome; Hereditary breast and/or ovarian cancer syndrome; BRCA1- and BRCA2-Associated Hereditary Breast and Ovarian Cancer; Hereditary breast and ovarian cancer; Hereditary breast and ovarian cancer syndrome (HBOC). Identifiers: Orphanet 145, MedGen C0677776, MeSH D061325, MONDO:0003582. Disease mechanism: loss of function.
Familial cancer of breast. Also called: hereditary breast carcinoma; BREAST CANCER, FAMILIAL; Hereditary breast cancer. Identifiers: Orphanet 227535, MedGen C0346153, MONDO:0016419, OMIM 114480. Disease mechanism: loss of function.

Allele frequency attached by ClinVar (database versions not stated): TOPMed below 0.00001; gnomAD exomes 0.00001 and 0.00002; ExAC 0.00002; ESP Exome Variant Server 0.00008.
gnomAD v4.1: 5 of 1,613,858 alleles (0.00031%); highest among the groups gnomAD compares: East Asian, 0.0022%; no homozygotes.

Submissions (9):

Labcorp Genetics (formerly Invitae), Labcorp
Classification: Uncertain significance for Hereditary breast ovarian cancer syndrome. Last evaluated: 2026-02-03. Review status: criteria provided, single submitter. Criteria: Invitae Variant Classification Sherloc (09022015). Collection method: clinical testing. Allele origin: germline.
Comment: This sequence change replaces serine, which is neutral and polar, with threonine, which is neutral and polar, at codon 2006 of the BRCA2 protein (p.Ser2006Thr). This variant is present in population databases (rs144784912, gnomAD 0.006%). This missense change has been observed in individual(s) with breast and/or ovarian cancer (PMID: 35918668). ClinVar contains an entry for this variant (Variation ID: 188433). Invitae Evidence Modeling of protein sequence and biophysical properties (such as structural, functional, and spatial information, amino acid conservation, physicochemical variation, residue mobility, and thermodynamic stability) indicates that this missense variant is not expected to disrupt BRCA2 protein function with a negative predictive value of 95%. In summary, the available evidence is currently insufficient to determine the role of this variant in disease. Therefore, it has been classified as a Variant of Uncertain Significance.

Ambry Genetics
Classification: Uncertain significance for Hereditary cancer-predisposing syndrome. Last evaluated: 2025-11-12. Review status: criteria provided, single submitter. Criteria: Ambry Variant Classification Scheme 2023. Collection method: clinical testing. Allele origin: germline.
Comment: The p.S2006T variant (also known as c.6017G>C), located in coding exon 10 of the BRCA2 gene, results from a G to C substitution at nucleotide position 6017. The serine at codon 2006 is replaced by threonine, an amino acid with similar properties. This amino acid position is not well conserved in available vertebrate species. In addition, this alteration is predicted to be tolerated by in silico analysis. Since supporting evidence is limited at this time, the clinical significance of this alteration remains unclear.

Color Diagnostics, LLC DBA Color Health
Classification: Uncertain significance for Hereditary cancer-predisposing syndrome. Last evaluated: 2025-06-24. Review status: criteria provided, single submitter. Criteria: ACMG Guidelines, 2015. Collection method: clinical testing. Allele origin: germline.
Comment: This missense variant replaces serine with threonine at codon 2006 of the BRCA2 protein. Computational prediction suggests that this variant may not impact protein structure and function. To our knowledge, functional studies have not been reported for this variant. This variant has not been reported in individuals affected with BRCA2-related disorders in the literature. This variant has been identified in 4/250602 chromosomes in the general population by the Genome Aggregation Database (gnomAD). The available evidence is insufficient to determine the role of this variant in disease conclusively. Therefore, this variant is classified as a Variant of Uncertain Significance.

University of Washington Department of Laboratory Medicine, University of Washington
Classification: Likely benign for Hereditary cancer-predisposing syndrome. Last evaluated: 2023-03-23. Review status: criteria provided, single submitter. Criteria: Dines et al. (Genet Med. 2020). Collection method: curation. Allele origin: germline.
Comment: Missense variant in a coldspot region where missense variants are very unlikely to be pathogenic (PMID:31911673).

BRCA2 exon 11 coldspot. Reclassification based on statistical prior probability.

CHEO Genetics Diagnostic Laboratory, Children's Hospital of Eastern Ontario
Classification: Uncertain significance for Breast and/or ovarian cancer. Last evaluated: 2022-01-22. Review status: criteria provided, single submitter. Criteria: ACMG Guidelines, 2015. Collection method: clinical testing. Allele origin: germline. Study: Canadian Open Genetics Repository.

GeneDx
Classification: Uncertain significance. Last evaluated: 2020-09-24. Review status: criteria provided, single submitter. Criteria: GeneDx Variant Classification Process June 2021. Collection method: clinical testing. Allele origin: germline. Affected: yes.
Comment: Not observed at a significant frequency in large population cohorts (Lek 2016); In silico analysis supports that this missense variant does not alter protein structure/function; Has not been previously published as pathogenic or benign to our knowledge; Also known as 6245G>C; This variant is associated with the following publications: (PMID: 31131967, 28726806)

Quest Diagnostics Nichols Institute San Juan Capistrano
Classification: Uncertain significance. Last evaluated: 2017-01-05. Review status: criteria provided, single submitter. Criteria: Quest Diagnostics criteria. Collection method: clinical testing. Allele origin: germline.

Foulkes Cancer Genetics LDI, Lady Davis Institute for Medical Research
Classification: Benign for Breast and/or ovarian cancer. Last evaluated: 2014-06-02. Review status: no assertion criteria provided. Collection method: clinical testing. Allele origin: germline. Study: The Canadian Open Genetics Repository (COGR). Not counted in ClinVar's aggregate classification.

Center for Precision Medicine, Meizhou People's Hospital
Classification: Uncertain significance for Familial cancer of breast. Review status: no assertion criteria provided. Collection method: literature only. Allele origin: germline. Affected: yes. Not counted in ClinVar's aggregate classification.

Literature cited by the submitters: PubMed 35918668 (cited by Labcorp Genetics (formerly Invitae), Labcorp); PubMed 21671020 (cited by 3 submitters); PubMed 26295337 (cited by Quest Diagnostics Nichols Institute San Juan Capistrano and Center for Precision Medicine, Meizhou People's Hospital).

NM_000059.4(BRCA2):c.6017G>C (p.Ser2006Thr)

Gene: BRCA2 (BRCA2 DNA repair associated; plus strand). Cytogenetic location: 13q13.1.
Variant type: single nucleotide variant.
Coding change: c.6017G>C on transcript NM_000059.4 (MANE Select); coding-DNA position 6017, G replaced by C.
Protein change: p.Ser2006Thr; replaces serine 2006 with threonine.
Molecular consequence: missense variant.
Genome position (GRCh38, 1-based): chr13:32,340,372, G>C. VCF-style: chr13-32340372-G-C. GRCh37 (hg19) VCF-style: chr13-32914509-G-C.
Other names: short protein forms S2006T.
Identifiers: ClinVar variation 188433 (VCV000188433.27), dbSNP rs144784912, ClinGen allele CA023520.